The following is an entry in ClinVar:

ClinVar aggregate classification (germline): Uncertain significance (1 of 4 stars; one submission).

Submission:

Labcorp Genetics (formerly Invitae), Labcorp
Classification: Uncertain significance. Last evaluated: 2022-11-12. Review status: criteria provided, single submitter. Criteria: Invitae Variant Classification Sherloc (09022015). Collection method: clinical testing. Allele origin: germline.
Comment: This variant is not present in population databases (gnomAD no frequency). This sequence change replaces glycine, which is neutral and non-polar, with cysteine, which is neutral and slightly polar, at codon 491 of the TRIM8 protein (p.Gly491Cys). This variant has not been reported in the literature in individuals affected with TRIM8-related conditions. Algorithms developed to predict the effect of missense changes on protein structure and function (SIFT, PolyPhen-2, Align-GVGD) all suggest that this variant is likely to be disruptive. In summary, the available evidence is currently insufficient to determine the role of this variant in disease. Therefore, it has been classified as a Variant of Uncertain Significance.

NM_030912.3(TRIM8):c.1471G>T (p.Gly491Cys)

Gene: TRIM8 (tripartite motif containing 8; plus strand). Cytogenetic location: 10q24.32.
Variant type: single nucleotide variant.
Coding change: c.1471G>T on transcript NM_030912.3 (MANE Select); coding-DNA position 1471, G replaced by T.
Protein change: p.Gly491Cys; replaces glycine 491 with cysteine.
Molecular consequence: missense variant. On other transcripts: non-coding transcript variant (1).
Genome position (GRCh38, 1-based): chr10:102,657,169, G>T. VCF-style: chr10-102657169-G-T. GRCh37 (hg19) VCF-style: chr10-104416926-G-T.
Other names: c.1375G>T, p.Gly459Cys (NM_001345950.1); short protein forms G459C, G491C.
Identifiers: ClinVar variation 2813823 (VCV002813823.3), dbSNP rs752515461, ClinGen allele CA377932685.